The following is an entry in ClinVar:

ClinVar aggregate classification (germline): Conflicting classifications of pathogenicity. Review status: criteria provided, conflicting classifications (1 of 4 stars). 8 submissions from 8 submitters: Uncertain significance (5); Benign (1). 2 of the submissions do not count toward it. Last evaluated 2025-09-22.

Conditions:
Breast-ovarian cancer, familial, susceptibility to, 2 (BROVCA2). Also called: BRCA2 Hereditary Breast and Ovarian Cancer. Identifiers: Orphanet 145, MedGen C2675520, MONDO:0012933, OMIM 612555. Disease mechanism: loss of function.
Hereditary cancer-predisposing syndrome. Also called: Hereditary Cancer Syndrome; Neoplastic Syndromes, Hereditary; Hereditary neoplastic syndrome; Tumor predisposition. Identifiers: Orphanet 140162, MedGen C0027672, MeSH D009386, MONDO:0015356.
Hereditary breast ovarian cancer syndrome. Also called: Hereditary breast and ovarian cancer syndrome (HBOC); Breast and ovarian cancer; Hereditary breast and ovarian cancer syndrome; Hereditary breast and ovarian cancer; BRCA1- and BRCA2-Associated Hereditary Breast and Ovarian Cancer; Hereditary breast and/or ovarian cancer syndrome. Identifiers: Orphanet 145, MedGen C0677776, MeSH D061325, MONDO:0003582. Disease mechanism: loss of function.
Breast-ovarian cancer, familial, susceptibility to, 1 (BROVCA1). Also called: BRCA1 Hereditary Breast and Ovarian Cancer; OVARIAN CANCER, SUSCEPTIBILITY TO. Identifiers: Orphanet 145, MedGen C2676676, MONDO:0011450, OMIM 604370. Disease mechanism: loss of function.

Allele frequency attached by ClinVar (database versions not stated): gnomAD exomes below 0.00001.
gnomAD v4.1: 1 of 1,613,638 alleles (0.000062%); highest among the groups gnomAD compares: Non-Finnish European, 0.000085%; no homozygotes.

Submissions (8):

Labcorp Genetics (formerly Invitae), Labcorp
Classification: Uncertain significance for Hereditary breast ovarian cancer syndrome. Last evaluated: 2025-09-22. Review status: criteria provided, single submitter. Criteria: Invitae Variant Classification Sherloc (09022015). Collection method: clinical testing. Allele origin: germline.
Comment: This sequence change replaces isoleucine, which is neutral and non-polar, with valine, which is neutral and non-polar, at codon 3025 of the BRCA2 protein (p.Ile3025Val). This variant is not present in population databases (gnomAD no frequency). This variant has not been reported in the literature in individuals affected with BRCA2-related conditions. ClinVar contains an entry for this variant (Variation ID: 252855). Invitae Evidence Modeling of protein sequence and biophysical properties (such as structural, functional, and spatial information, amino acid conservation, physicochemical variation, residue mobility, and thermodynamic stability) indicates that this missense variant is not expected to disrupt BRCA2 protein function with a negative predictive value of 95%. In summary, the available evidence is currently insufficient to determine the role of this variant in disease. Therefore, it has been classified as a Variant of Uncertain Significance.

Institute of Immunology and Genetics Kaiserslautern
Classification: Uncertain significance for Breast-ovarian cancer, familial, susceptibility to, 1. Last evaluated: 2025-07-31. Review status: criteria provided, single submitter. Criteria: ACMG Guidelines, 2015. Collection method: clinical testing. Allele origin: germline. Affected: yes.
Comment: ACMG Criteria: PM2_P; Variant was found in heterozygous state.

Ambry Genetics
Classification: Benign for Hereditary cancer-predisposing syndrome. Last evaluated: 2025-05-23. Review status: criteria provided, single submitter. Criteria: Ambry Variant Classification Scheme 2023. Collection method: clinical testing. Allele origin: germline.

Color Diagnostics, LLC DBA Color Health
Classification: Uncertain significance for Hereditary cancer-predisposing syndrome. Last evaluated: 2023-12-05. Review status: criteria provided, single submitter. Criteria: ACMG Guidelines, 2015. Collection method: clinical testing. Allele origin: germline.
Comment: This missense variant replaces isoleucine with valine at codon 3025 of the BRCA2 protein. Computational prediction suggests that this variant may not impact protein structure and function (internally defined REVEL score threshold <= 0.5, PMID: 27666373). To our knowledge, functional studies have not been reported for this variant. This variant has not been reported in individuals affected with BRCA2-related disorders in the literature. This variant has not been identified in the general population by the Genome Aggregation Database (gnomAD). The available evidence is insufficient to determine the role of this variant in disease conclusively. Therefore, this variant is classified as a Variant of Uncertain Significance.

All of Us Research Program, National Institutes of Health
Classification: Uncertain significance for Breast-ovarian cancer, familial, susceptibility to, 2. Last evaluated: 2023-05-31. Review status: criteria provided, single submitter. Criteria: ACMG Guidelines, 2015. Collection method: clinical testing. Allele origin: germline. Inheritance: Autosomal dominant inheritance. Observed: 2 variant alleles, 2 heterozygotes.
Comment: This study involves interpretation of variants in research participants for the purpose of population health screening. Participant phenotype was not available at the time of variant classification. Additional details can be found in publication PMID: 35346344, PMCID: PMC8962531

Women's Health and Genetics/Laboratory Corporation of America, LabCorp
Classification: Uncertain significance. Last evaluated: 2017-11-06. Review status: criteria provided, single submitter. Criteria: LabCorp Variant Classification Summary - May 2015. Collection method: clinical testing. Allele origin: germline.
Comment: Variant summary: The BRCA2 c.9073A>G (p.Ile3025Val) variant involves the alteration of a non-conserved nucleotide. 4/4 in silico tools predict a benign outcome for this variant (SNPsandGO not captured due to low reliability index). This variant is absent in 244944 control chromosomes. The variant of interest has not, to our knowledge, been reported in affected individuals via publications; nor evaluated for functional impact by in vivo/vitro studies. The variant was found in 1 patient who also carried another pathogenic BRCA1 variant, c.3627dup (p.Glu1210ArgfsX9) (UMD). In addition, multiple clinical diagnostic laboratories classified this variant as uncertain significance. Because of the absence of clinical information and the lack of functional studies, the variant is classified as a variant of uncertain significance (VUS) until additional information becomes available.

BRCAlab, Lund University
Classification: Uncertain significance for Breast-ovarian cancer, familial, susceptibility to, 2. Last evaluated: 2020-03-02. Review status: no assertion criteria provided. Collection method: clinical testing. Allele origin: germline. Affected: yes. Not counted in ClinVar's aggregate classification.

Sharing Clinical Reports Project (SCRP)
Classification: Uncertain significance for Breast-ovarian cancer, familial 2. Last evaluated: 2010-10-18. Review status: no assertion criteria provided. Collection method: clinical testing. Allele origin: germline. Not counted in ClinVar's aggregate classification.

NM_000059.4(BRCA2):c.9073A>G (p.Ile3025Val)

Gene: BRCA2 (BRCA2 DNA repair associated; plus strand). Cytogenetic location: 13q13.1.
Variant type: single nucleotide variant.
Coding change: c.9073A>G on transcript NM_000059.4 (MANE Select); coding-DNA position 9073, A replaced by G.
Protein change: p.Ile3025Val; replaces isoleucine 3025 with valine.
Molecular consequence: missense variant.
Genome position (GRCh38, 1-based): chr13:32,379,869, A>G. VCF-style: chr13-32379869-A-G. GRCh37 (hg19) VCF-style: chr13-32954006-A-G.
Other names: short protein forms I3025V.
Identifiers: ClinVar variation 252855 (VCV000252855.20), dbSNP rs879255470, ClinGen allele CA10586085.